The following is an entry in ClinVar:

NM_000535.7(PMS2):c.2500A>G (p.Met834Val)

Gene: PMS2 (PMS1 homolog 2, mismatch repair system component; minus strand). Cytogenetic location: 7p22.1.
Variant type: single nucleotide variant.
Coding change: c.2500A>G on transcript NM_000535.7 (MANE Select); coding-DNA position 2500, A replaced by G.
Protein change: p.Met834Val; replaces methionine 834 with valine.
Molecular consequence: missense variant. On other transcripts: non-coding transcript variant (1).
Genome position (GRCh38, 1-based): chr7:5,973,488, T>C on the plus strand (A>G on the coding strand, the complement: PMS2 is on the minus strand). VCF-style: chr7-5973488-T-C. GRCh37 (hg19) VCF-style: chr7-6013119-T-C.
Other names: c.2095A>G, p.Met699Val (NM_001018040.1, NM_001322003.2, NM_001322004.2 and 12 more transcripts); c.2344A>G, p.Met782Val (NM_001322006.2); c.2182A>G, p.Met728Val (NM_001322007.2, NM_001322008.2, NM_001406883.1); c.2128A>G, p.Met710Val (NM_001322009.2, NM_001406887.1, NM_001406888.1); c.1939A>G, p.Met647Val (NM_001322010.2, NM_001406906.1, NM_001406907.1); c.1567A>G, p.Met523Val (NM_001322011.2, NM_001322012.2); c.1927A>G, p.Met643Val (NM_001322013.2, NM_001406908.1, NM_001406909.1); c.2533A>G, p.Met845Val (NM_001322014.2); and 20 more; short protein forms M523V, M679V, M722V, M726V, M739V, M778V, M793V, M834V.
Identifiers: ClinVar variation 2201762 (VCV002201762.6), dbSNP rs1554292828, ClinGen allele CA366734928.

ClinVar aggregate classification (germline): Uncertain significance. Review status: criteria provided, multiple submitters, no conflicts (2 of 4 stars). 4 submissions from 4 submitters: Uncertain significance (4). Last evaluated 2025-11-05.

Conditions:
Hereditary nonpolyposis colorectal neoplasms. Identifiers: MedGen C0009405, MeSH D003123.
Hereditary cancer-predisposing syndrome. Also called: Tumor predisposition; Hereditary neoplastic syndrome; Neoplastic Syndromes, Hereditary; Hereditary Cancer Syndrome. Identifiers: Orphanet 140162, MedGen C0027672, MeSH D009386, MONDO:0015356.

Submissions (4):

Ambry Genetics
Classification: Uncertain significance for Hereditary cancer-predisposing syndrome. Last evaluated: 2025-11-05. Review status: criteria provided, single submitter. Criteria: Ambry Variant Classification Scheme 2023. Collection method: clinical testing. Allele origin: germline.
Comment: The p.M834V variant (also known as c.2500A>G), located in coding exon 15 of the PMS2 gene, results from an A to G substitution at nucleotide position 2500. The methionine at codon 834 is replaced by valine, an amino acid with highly similar properties. This amino acid position is highly conserved in available vertebrate species. In addition, this alteration is predicted to be deleterious by in silico analysis. Since supporting evidence is limited at this time, the clinical significance of this alteration remains unclear.

Color Diagnostics, LLC DBA Color Health
Classification: Uncertain significance for Hereditary cancer-predisposing syndrome. Last evaluated: 2023-12-05. Review status: criteria provided, single submitter. Criteria: ACMG Guidelines, 2015. Collection method: clinical testing. Allele origin: germline.
Comment: This missense variant replaces methionine with valine at codon 834 of the PMS2 protein. Computational prediction suggests that this variant may have deleterious impact on protein structure and function. To our knowledge, functional studies have not been reported for this variant. This variant has not been reported in individuals affected with PMS2-related disorders in the literature. This variant has not been identified in the general population by the Genome Aggregation Database (gnomAD). The available evidence is insufficient to determine the role of this variant in disease conclusively. Therefore, this variant is classified as a Variant of Uncertain Significance.

Institute for Biomarker Research, Medical Diagnostic Laboratories, L.L.C.
Classification: Uncertain significance for Hereditary cancer-predisposing syndrome. Last evaluated: 2023-05-16. Review status: criteria provided, single submitter. Criteria: ACMG Guidelines, 2015. Collection method: clinical testing. Allele origin: germline.

Labcorp Genetics (formerly Invitae), Labcorp
Classification: Uncertain significance for Hereditary nonpolyposis colorectal neoplasms. Last evaluated: 2021-09-24. Review status: criteria provided, single submitter. Criteria: Invitae Variant Classification Sherloc (09022015). Collection method: clinical testing. Allele origin: germline.
Comment: This sequence change replaces methionine with valine at codon 834 of the PMS2 protein (p.Met834Val). The methionine residue is highly conserved and there is a small physicochemical difference between methionine and valine. This variant has not been reported in the literature in individuals with PMS2-related conditions. Algorithms developed to predict the effect of missense changes on protein structure and function are either unavailable or do not agree on the potential impact of this missense change (SIFT: "Deleterious"; PolyPhen-2: "Probably Damaging"; Align-GVGD: "Class C15"). In summary, the available evidence is currently insufficient to determine the role of this variant in disease. Therefore, it has been classified as a Variant of Uncertain Significance.